The following is an entry in ClinVar:

NM_004974.4(KCNA2):c.1354A>T (p.Thr452Ser)

Gene: KCNA2 (potassium voltage-gated channel subfamily A member 2; minus strand). Cytogenetic location: 1p13.3.
Variant type: single nucleotide variant.
Coding change: c.1354A>T on transcript NM_004974.4 (MANE Select); coding-DNA position 1354, A replaced by T.
Protein change: p.Thr452Ser; replaces threonine 452 with serine.
Molecular consequence: missense variant. On other transcripts: intron variant (1).
Genome position (GRCh38, 1-based): chr1:110,603,429, T>A on the plus strand (A>T on the coding strand, the complement: KCNA2 is on the minus strand). VCF-style: chr1-110603429-T-A. GRCh37 (hg19) VCF-style: chr1-111146051-T-A.
Other names: c.894+460A>T (NM_001204269.2); short protein forms T452S.
Identifiers: ClinVar variation 1021350 (VCV001021350.7), dbSNP rs765999960, ClinGen allele CA1000633.

ClinVar aggregate classification (germline): Uncertain significance (1 of 4 stars; one submission).

Conditions:
Developmental and epileptic encephalopathy, 32 (DEE32). Also called: Epileptic encephalopathy, early infantile, 32. Identifiers: Orphanet 442835, MedGen C4225350, MONDO:0014607, OMIM 616366.

gnomAD v4.1: 2 of 1,614,198 alleles (0.00012%); highest among the groups gnomAD compares: Admixed American, 0.0033%; no homozygotes.

Submission:

Labcorp Genetics (formerly Invitae), Labcorp
Classification: Uncertain significance for Developmental and epileptic encephalopathy, 32. Last evaluated: 2023-09-10. Review status: criteria provided, single submitter. Criteria: Invitae Variant Classification Sherloc (09022015). Collection method: clinical testing. Allele origin: germline.
Comment: In summary, the available evidence is currently insufficient to determine the role of this variant in disease. Therefore, it has been classified as a Variant of Uncertain Significance. Advanced modeling of protein sequence and biophysical properties (such as structural, functional, and spatial information, amino acid conservation, physicochemical variation, residue mobility, and thermodynamic stability) performed at Invitae indicates that this missense variant is not expected to disrupt KCNA2 protein function. ClinVar contains an entry for this variant (Variation ID: 1021350). This variant has not been reported in the literature in individuals affected with KCNA2-related conditions. This variant is present in population databases (rs765999960, gnomAD 0.006%). This sequence change replaces threonine, which is neutral and polar, with serine, which is neutral and polar, at codon 452 of the KCNA2 protein (p.Thr452Ser).